The following is an entry in ClinVar:

NM_032806.6(POMGNT2):c.161C>T (p.Pro54Leu)

Gene: POMGNT2 (protein O-linked mannose N-acetylglucosaminyltransferase 2 (beta 1,4-); minus strand). Cytogenetic location: 3p22.1.
Variant type: single nucleotide variant.
Coding change: c.161C>T on transcript NM_032806.6 (MANE Select); coding-DNA position 161, C replaced by T.
Protein change: p.Pro54Leu; replaces proline 54 with leucine.
Molecular consequence: missense variant.
Genome position (GRCh38, 1-based): chr3:43,081,271, G>A on the plus strand (C>T on the coding strand, the complement: POMGNT2 is on the minus strand). VCF-style: chr3-43081271-G-A. GRCh37 (hg19) VCF-style: chr3-43122763-G-A.
Other names: c.161C>T (NM_032806.4); short protein forms P54L.
Identifiers: ClinVar variation 657212 (VCV000657212.10), dbSNP rs748576103, ClinGen allele CA2340144.

ClinVar aggregate classification (germline): Uncertain significance. Review status: criteria provided, multiple submitters, no conflicts (2 of 4 stars). 4 submissions from 4 submitters: Uncertain significance (4). Last evaluated 2025-12-21.

Conditions:
Inborn genetic diseases. Identifiers: MedGen C0950123, MeSH D030342.
Muscular dystrophy-dystroglycanopathy (congenital with brain and eye anomalies), type a, 8 (MDDGA8). Also called: WALKER-WARBURG SYNDROME OR MUSCLE-EYE-BRAIN DISEASE, GTDC2-RELATED. Identifiers: Orphanet 899, MedGen C3553813, MONDO:0013904, OMIM 614830.

Allele frequency attached by ClinVar (database versions not stated): ExAC 0.00004; gnomAD 0.00005 and 0.00006; gnomAD exomes 0.00005 and 0.00008; TOPMed 0.00008.
gnomAD v4.1: 129 of 1,613,316 alleles (0.008%); highest among the groups gnomAD compares: Middle Eastern, 0.033%; 1 homozygote.

Submissions (4):

GeneDx
Classification: Uncertain significance. Last evaluated: 2025-12-21. Review status: criteria provided, single submitter. Criteria: GeneDx Variant Classification Process June 2021. Collection method: clinical testing. Allele origin: germline. Affected: yes.
Comment: Not observed at significant frequency in large population cohorts (gnomAD); In silico analysis suggests that this missense variant does not alter protein structure/function; Has not been previously published as pathogenic or benign to our knowledge

Labcorp Genetics (formerly Invitae), Labcorp
Classification: Uncertain significance for Muscular dystrophy-dystroglycanopathy (congenital with brain and eye anomalies), type a, 8. Last evaluated: 2025-05-29. Review status: criteria provided, single submitter. Criteria: Invitae Variant Classification Sherloc (09022015). Collection method: clinical testing. Allele origin: germline.
Comment: This sequence change replaces proline, which is neutral and non-polar, with leucine, which is neutral and non-polar, at codon 54 of the POMGNT2 protein (p.Pro54Leu). This variant is present in population databases (rs748576103, gnomAD 0.009%). This variant has not been reported in the literature in individuals affected with POMGNT2-related conditions. ClinVar contains an entry for this variant (Variation ID: 657212). Invitae Evidence Modeling of protein sequence and biophysical properties (such as structural, functional, and spatial information, amino acid conservation, physicochemical variation, residue mobility, and thermodynamic stability) indicates that this missense variant is not expected to disrupt POMGNT2 protein function with a negative predictive value of 80%. In summary, the available evidence is currently insufficient to determine the role of this variant in disease. Therefore, it has been classified as a Variant of Uncertain Significance.

Ambry Genetics
Classification: Uncertain significance for Inborn genetic diseases. Last evaluated: 2024-11-26. Review status: criteria provided, single submitter. Criteria: Ambry Variant Classification Scheme 2023. Collection method: clinical testing. Allele origin: germline.

Revvity Omics, Revvity
Classification: Uncertain significance. Last evaluated: 2023-12-01. Review status: criteria provided, single submitter. Criteria: ACMG Guidelines, 2015. Collection method: clinical testing. Allele origin: germline.